The following is an entry in ClinVar:

ClinVar aggregate classification (germline): Conflicting classifications of pathogenicity. Review status: criteria provided, conflicting classifications (1 of 4 stars). 3 submissions from 3 submitters: Uncertain significance (2); Likely benign (1). Last evaluated 2025-05-19.

Conditions:
GEN1-related disorder. Also called: GEN1-related condition.

Allele frequency attached by ClinVar (database versions not stated): gnomAD 0.00003; ExAC 0.00004; ESP Exome Variant Server 0.00008.
gnomAD v4.1: 156 of 1,613,588 alleles (0.0097%); highest among the groups gnomAD compares: Non-Finnish European, 0.012%; no homozygotes.

Submissions (3):

Ambry Genetics
Classification: Likely benign. Last evaluated: 2025-05-19. Review status: criteria provided, single submitter. Criteria: Ambry Variant Classification Scheme 2023. Collection method: clinical testing. Allele origin: germline.

Labcorp Genetics (formerly Invitae), Labcorp
Classification: Uncertain significance. Last evaluated: 2023-03-07. Review status: criteria provided, single submitter. Criteria: Invitae Variant Classification Sherloc (09022015). Collection method: clinical testing. Allele origin: germline.
Comment: In summary, the available evidence is currently insufficient to determine the role of this variant in disease. Therefore, it has been classified as a Variant of Uncertain Significance. Algorithms developed to predict the effect of missense changes on protein structure and function output the following: SIFT: "Not Available"; PolyPhen-2: "Benign"; Align-GVGD: "Not Available". The serine amino acid residue is found in multiple mammalian species, which suggests that this missense change does not adversely affect protein function. ClinVar contains an entry for this variant (Variation ID: 2170041). This variant has not been reported in the literature in individuals affected with GEN1-related conditions. This variant is present in population databases (rs372381849, gnomAD 0.006%). This sequence change replaces asparagine, which is neutral and polar, with serine, which is neutral and polar, at codon 571 of the GEN1 protein (p.Asn571Ser).

Department of Pathology and Laboratory Medicine, Sinai Health System
Classification: Uncertain significance for GEN1-related disorder. Last evaluated: 2021-07-30. Review status: criteria provided, single submitter. Criteria: ACMG Guidelines, 2015. Collection method: research. Allele origin: germline.

NM_001130009.3(GEN1):c.1712A>G (p.Asn571Ser)

Gene: GEN1 (GEN1 structure-specific endonuclease; plus strand). Cytogenetic location: 2p24.2.
Variant type: single nucleotide variant.
Coding change: c.1712A>G on transcript NM_001130009.3 (MANE Select); coding-DNA position 1712, A replaced by G.
Protein change: p.Asn571Ser; replaces asparagine 571 with serine.
Molecular consequence: missense variant.
Genome position (GRCh38, 1-based): chr2:17,780,924, A>G. VCF-style: chr2-17780924-A-G. GRCh37 (hg19) VCF-style: chr2-17962191-A-G.
Other names: c.1712A>G (NM_001130009.1); c.1712A>G, p.Asn571Ser (NM_182625.5); short protein forms N571S.
Identifiers: ClinVar variation 2170041 (VCV002170041.6), dbSNP rs372381849, ClinGen allele CA1540818.
Genomic context (GRCh38, chr2:17,780,924, plus strand): 5'-TGGCTATACAGCAAATTAAAGCTGTCAGTAAGTCTCTAATTTCAGAATCTAGTCAACCCA[A>G]TACCTCATCTCATAATATATCCGTGATTGCTGATCTACACTTGAGCACTATTGACTGGGA-3'
Protein context (NP_001123481.3, residues 561-581): KSLISESSQP[Asn571Ser]TSSHNISVIA